The following is an entry in ClinVar:

ClinVar aggregate classification (germline): Uncertain significance (1 of 4 stars; one submission).

Submission:

GeneDx
Classification: Uncertain significance. Last evaluated: 2024-05-29. Review status: criteria provided, single submitter. Criteria: GeneDx Variant Classification Process June 2021. Collection method: clinical testing. Allele origin: germline. Affected: yes.
Comment: Not observed at significant frequency in large population cohorts (gnomAD); In silico analysis supports that this missense variant has a deleterious effect on protein structure/function; Has not been previously published as pathogenic or benign to our knowledge

NM_018993.4(RIN2):c.1322C>T (p.Ser441Leu)

Gene: RIN2 (Ras and Rab interactor 2; plus strand). Cytogenetic location: 20p11.23.
Variant type: single nucleotide variant.
Coding change: c.1322C>T on transcript NM_018993.4 (MANE Select); coding-DNA position 1322, C replaced by T.
Protein change: p.Ser441Leu; replaces serine 441 with leucine.
Molecular consequence: missense variant.
Genome position (GRCh38, 1-based): chr20:19,975,347, C>T. VCF-style: chr20-19975347-C-T. GRCh37 (hg19) VCF-style: chr20-19955991-C-T.
Other names: c.1469C>T, p.Ser490Leu (NM_001242581.2); c.704C>T, p.Ser235Leu (NM_001378238.1); short protein forms S235L, S441L, S490L.
Identifiers: ClinVar variation 3383775 (VCV003383775.1).